The following is an entry in ClinVar:

ClinVar aggregate classification (germline): Likely benign (1 of 4 stars; one submission).

Allele frequency attached by ClinVar (database versions not stated): gnomAD exomes 0.00001; TOPMed 0.00001; gnomAD 0.00002; 1000 Genomes Project 30x 0.00016.
gnomAD v4.1: 18 of 1,562,156 alleles (0.0012%); highest among the groups gnomAD compares: Non-Finnish European, 0.0015%; no homozygotes.

Submission:

CeGaT Center for Human Genetics Tuebingen
Classification: Likely benign. Last evaluated: 2023-12-01. Review status: criteria provided, single submitter. Criteria: CeGaT Center For Human Genetics Tuebingen Variant Classification Criteria Version 2. Collection method: clinical testing. Allele origin: germline. Affected: yes. Observed: 1 variant allele.
Comment: TRIO: BP4

NM_007118.4(TRIO):c.3948+7A>T

Gene: TRIO (trio Rho guanine nucleotide exchange factor; plus strand). Cytogenetic location: 5p15.2.
Variant type: single nucleotide variant.
Coding change: c.3948+7A>T on transcript NM_007118.4 (MANE Select); 7 bases into the intron after coding-DNA position 3948, A replaced by T.
Molecular consequence: intron variant.
Genome position (GRCh38, 1-based): chr5:14,388,686, A>T. VCF-style: chr5-14388686-A-T. GRCh37 (hg19) VCF-style: chr5-14388795-A-T.
Identifiers: ClinVar variation 3025664 (VCV003025664.22), dbSNP rs1305915982, ClinGen allele CA443278717.